The following is an entry in ClinVar:

NM_005529.7(HSPG2):c.3054G>C (p.Gln1018His)

Gene: HSPG2 (heparan sulfate proteoglycan 2; minus strand). Cytogenetic location: 1p36.12.
Variant type: single nucleotide variant.
Coding change: c.3054G>C on transcript NM_005529.7 (MANE Select); coding-DNA position 3054, G replaced by C.
Protein change: p.Gln1018His; replaces glutamine 1018 with histidine.
Molecular consequence: missense variant.
Genome position (GRCh38, 1-based): chr1:21,875,992, C>G on the plus strand (G>C on the coding strand, the complement: HSPG2 is on the minus strand). VCF-style: chr1-21875992-C-G. GRCh37 (hg19) VCF-style: chr1-22202485-C-G.
Other names: c.3054G>C (NM_005529.5); c.3057G>C, p.Gln1019His (NM_001291860.2); short protein forms Q1018H, Q1019H.
Identifiers: ClinVar variation 1008273 (VCV001008273.11), dbSNP rs898599613, ClinGen allele CA19146982.

ClinVar aggregate classification (germline): Uncertain significance. Review status: criteria provided, multiple submitters, no conflicts (2 of 4 stars). 2 submissions from 2 submitters: Uncertain significance (2). Last evaluated 2025-08-21.

Allele frequency attached by ClinVar (database versions not stated): gnomAD exomes below 0.00001; gnomAD 0.00001; TOPMed 0.00001.
gnomAD v4.1: 2 of 1,614,166 alleles (0.00012%); highest among the groups gnomAD compares: African/African-American, 0.0027%; no homozygotes.

Submissions (2):

Labcorp Genetics (formerly Invitae), Labcorp
Classification: Uncertain significance. Last evaluated: 2025-08-21. Review status: criteria provided, single submitter. Criteria: Invitae Variant Classification Sherloc (09022015). Collection method: clinical testing. Allele origin: germline.
Comment: This sequence change replaces glutamine, which is neutral and polar, with histidine, which is basic and polar, at codon 1018 of the HSPG2 protein (p.Gln1018His). This variant is not present in population databases (gnomAD no frequency). This variant has not been reported in the literature in individuals affected with HSPG2-related conditions. ClinVar contains an entry for this variant (Variation ID: 1008273). An algorithm developed to predict the effect of missense changes on protein structure and function outputs the following: PolyPhen-2: "Benign". The histidine amino acid residue is found in multiple mammalian species, which suggests that this missense change does not adversely affect protein function. In summary, the available evidence is currently insufficient to determine the role of this variant in disease. Therefore, it has been classified as a Variant of Uncertain Significance.

Revvity Omics, Revvity
Classification: Uncertain significance. Last evaluated: 2019-11-08. Review status: criteria provided, single submitter. Criteria: ACMG Guidelines, 2015. Collection method: clinical testing. Allele origin: germline.